The following is an entry in ClinVar:

ClinVar aggregate classification (germline): Uncertain significance. Review status: criteria provided, multiple submitters, no conflicts (2 of 4 stars). 4 submissions from 4 submitters: Uncertain significance (3). 1 of the submissions does not count toward it. Last evaluated 2024-11-06.

Conditions:
Hereditary cancer-predisposing syndrome. Also called: Tumor predisposition; Neoplastic Syndromes, Hereditary; Hereditary neoplastic syndrome; Hereditary Cancer Syndrome. Identifiers: Orphanet 140162, MedGen C0027672, MeSH D009386, MONDO:0015356.
Hereditary breast ovarian cancer syndrome. Also called: Hereditary breast and ovarian cancer; Hereditary breast and ovarian cancer syndrome (HBOC); Hereditary breast and/or ovarian cancer syndrome; Breast and ovarian cancer; Hereditary breast and ovarian cancer syndrome; BRCA1- and BRCA2-Associated Hereditary Breast and Ovarian Cancer. Identifiers: Orphanet 145, MedGen C0677776, MeSH D061325, MONDO:0003582. Disease mechanism: loss of function.
Breast-ovarian cancer, familial, susceptibility to, 2 (BROVCA2). Also called: BRCA2 Hereditary Breast and Ovarian Cancer. Identifiers: Orphanet 145, MedGen C2675520, MONDO:0012933, OMIM 612555. Disease mechanism: loss of function.

Submissions (4):

ARUP Laboratories, Molecular Genetics and Genomics, ARUP Laboratories
Classification: Uncertain significance. Last evaluated: 2024-11-06. Review status: criteria provided, single submitter. Criteria: ARUP Molecular Germline Variant Investigation Process 2024. Collection method: clinical testing. Allele origin: germline.
Comment: The BRCA2 c.8227G>A; p.Gly2743Ser variant (rs397507397), to our knowledge, is not reported in the medical literature but is reported in ClinVar (Variation ID: 38144). This variant is absent from the Genome Aggregation Database (v2.1.1), indicating it is not a common polymorphism. Computational analyses are uncertain whether this variant is neutral or deleterious (REVEL: 0.612). Due to limited information, the clinical significance of this variant is uncertain at this time.

Labcorp Genetics (formerly Invitae), Labcorp
Classification: Uncertain significance for Hereditary breast ovarian cancer syndrome. Last evaluated: 2024-03-26. Review status: criteria provided, single submitter. Criteria: Invitae Variant Classification Sherloc (09022015). Collection method: clinical testing. Allele origin: germline.
Comment: This sequence change replaces glycine, which is neutral and non-polar, with serine, which is neutral and polar, at codon 2743 of the BRCA2 protein (p.Gly2743Ser). This variant is not present in population databases (gnomAD no frequency). This variant has not been reported in the literature in individuals affected with BRCA2-related conditions. ClinVar contains an entry for this variant (Variation ID: 38144). Advanced modeling of protein sequence and biophysical properties (such as structural, functional, and spatial information, amino acid conservation, physicochemical variation, residue mobility, and thermodynamic stability) performed at Invitae indicates that this missense variant is not expected to disrupt BRCA2 protein function with a negative predictive value of 95%. In summary, the available evidence is currently insufficient to determine the role of this variant in disease. Therefore, it has been classified as a Variant of Uncertain Significance.

Ambry Genetics
Classification: Uncertain significance for Hereditary cancer-predisposing syndrome. Last evaluated: 2021-03-03. Review status: criteria provided, single submitter. Criteria: Ambry Variant Classification Scheme 2023. Collection method: clinical testing. Allele origin: germline.
Comment: The p.G2743S variant (also known as c.8227G>A), located in coding exon 17 of the BRCA2 gene, results from a G to A substitution at nucleotide position 8227. The glycine at codon 2743 is replaced by serine, an amino acid with similar properties. This amino acid position is well conserved in available vertebrate species. In addition, the in silico prediction for this alteration is inconclusive. Since supporting evidence is limited at this time, the clinical significance of this alteration remains unclear.

Sharing Clinical Reports Project (SCRP)
Classification: Uncertain significance for Breast-ovarian cancer, familial 2. Last evaluated: 2007-03-20. Review status: no assertion criteria provided. Collection method: clinical testing. Allele origin: germline. Not counted in ClinVar's aggregate classification.

NM_000059.4(BRCA2):c.8227G>A (p.Gly2743Ser)

Gene: BRCA2 (BRCA2 DNA repair associated; plus strand). Cytogenetic location: 13q13.1.
Variant type: single nucleotide variant.
Coding change: c.8227G>A on transcript NM_000059.4 (MANE Select); coding-DNA position 8227, G replaced by A.
Protein change: p.Gly2743Ser; replaces glycine 2743 with serine.
Molecular consequence: missense variant.
Genome position (GRCh38, 1-based): chr13:32,363,429, G>A. VCF-style: chr13-32363429-G-A. GRCh37 (hg19) VCF-style: chr13-32937566-G-A.
Other names: G2743S; c.8131G>A, p.Gly2711Ser (NM_001406719.1); c.8227G>A, p.Gly2743Ser (NM_001406720.1); c.3295G>A, p.Gly1099Ser (NM_001406721.1); c.1810G>A, p.Gly604Ser (NM_001406722.1); short protein forms G1099S, G2711S, G604S.
Identifiers: ClinVar variation 38144 (VCV000038144.7), dbSNP rs397507397, ClinGen allele CA025526.